The following is an entry in ClinVar:

ClinVar aggregate classification (germline): Uncertain significance (1 of 4 stars; one submission).

gnomAD v4.1: 1 of 1,614,084 alleles (0.000062%); highest among the groups gnomAD compares: Non-Finnish European, 0.000085%; no homozygotes.

Submission:

GeneDx
Classification: Uncertain significance. Last evaluated: 2024-08-08. Review status: criteria provided, single submitter. Criteria: GeneDx Variant Classification Process June 2021. Collection method: clinical testing. Allele origin: germline. Affected: yes.
Comment: Not observed at significant frequency in large population cohorts (gnomAD); In silico analysis supports that this missense variant has a deleterious effect on protein structure/function; Has not been previously published as pathogenic or benign to our knowledge

NM_001130438.3(SPTAN1):c.296T>G (p.Ile99Ser)

Gene: SPTAN1 (spectrin alpha, non-erythrocytic 1; plus strand). Cytogenetic location: 9q34.11.
Variant type: single nucleotide variant.
Coding change: c.296T>G on transcript NM_001130438.3 (MANE Select); coding-DNA position 296, T replaced by G.
Protein change: p.Ile99Ser; replaces isoleucine 99 with serine.
Molecular consequence: missense variant.
Genome position (GRCh38, 1-based): chr9:128,568,830, T>G. VCF-style: chr9-128568830-T-G. GRCh37 (hg19) VCF-style: chr9-131331109-T-G.
Other names: c.296T>G, p.Ile99Ser (NM_001195532.2, NM_001363759.2, NM_001363765.2 and 5 more transcripts); c.332T>G, p.Ile111Ser (NM_001375312.2, NM_001375318.1); short protein forms I111S, I99S.
Identifiers: ClinVar variation 3602858 (VCV003602858.1).
Genomic context (GRCh38, chr9:128,568,830, plus strand): 5'-AGGGAAAGCTTCAGAAGCATCAAGCATTTGAAGCTGAAGTGCAGGCCAACTCAGGAGCCA[T>G]TGTTAAGCTGGATGAAACTGGAAACCTGATGATCTCAGAAGGGCATTTTGCATCTGAAAC-3'
Protein context (NP_001123910.1, residues 89-109): EAEVQANSGA[Ile99Ser]VKLDETGNLM